The following is an entry in ClinVar:

ClinVar aggregate classification (germline): Benign/Likely benign. Review status: criteria provided, multiple submitters, no conflicts (2 of 4 stars). 2 submissions from 2 submitters: Benign (1); Likely benign (1). Last evaluated 2024-04-08.

Conditions:
Familial adenomatous polyposis 1 (FAP1). Also called: POLYPOSIS, ADENOMATOUS INTESTINAL; FAMILIAL ADENOMATOUS POLYPOSIS 1, ATTENUATED. Identifiers: MedGen C2713442, MONDO:0021056, OMIM 175100. Disease mechanism: loss of function.

Allele frequency attached by ClinVar (database versions not stated): gnomAD exomes below 0.00001.
gnomAD v4.1: 1 of 1,613,840 alleles (0.000062%); highest among the groups gnomAD compares: Non-Finnish European, 0.000085%; no homozygotes.

Submissions (2):

Myriad Genetics, Inc.
Classification: Benign for Familial adenomatous polyposis 1. Last evaluated: 2024-04-08. Review status: criteria provided, single submitter. Criteria: Myriad Autosomal Dominant, Autosomal Recessive and X-Linked Classification Criteria (2023). Collection method: clinical testing. Allele origin: unknown.
Comment: This variant is considered benign. This variant is a silent/synonymous amino acid change and it is not expected to impact splicing.

Labcorp Genetics (formerly Invitae), Labcorp
Classification: Likely benign for Familial adenomatous polyposis 1. Last evaluated: 2019-04-03. Review status: criteria provided, single submitter. Criteria: Invitae Variant Classification Sherloc (09022015). Collection method: clinical testing. Allele origin: germline.

NM_000038.6(APC):c.7014T>C (p.Pro2338=)

Gene: APC (APC regulator of Wnt signaling pathway; plus strand). Cytogenetic location: 5q22.2.
Variant type: single nucleotide variant.
Coding change: c.7014T>C on transcript NM_000038.6 (MANE Select); coding-DNA position 7014, T replaced by C.
Protein change: p.Pro2338=; no amino-acid change (proline 2338 retained).
Molecular consequence: synonymous variant.
Genome position (GRCh38, 1-based): chr5:112,842,608, T>C. VCF-style: chr5-112842608-T-C. GRCh37 (hg19) VCF-style: chr5-112178305-T-C.
Other names: c.7014T>C, p.Pro2338= (NM_001127510.3, NM_001354895.2); c.6960T>C, p.Pro2320= (NM_001127511.3); c.7068T>C, p.Pro2356= (NM_001354896.2); c.7044T>C, p.Pro2348= (NM_001354897.2); c.6939T>C, p.Pro2313= (NM_001354898.2); c.6930T>C, p.Pro2310= (NM_001354899.2); c.6891T>C, p.Pro2297= (NM_001354900.2); c.6837T>C, p.Pro2279= (NM_001354901.2); and 5 more.
Identifiers: ClinVar variation 1111582 (VCV001111582.11), dbSNP rs1561611983, ClinGen allele CA446210712.
Genomic context (GRCh38, chr5:112,842,608, plus strand): 5'-TAGACCTATACAGTCTCCTGGCCGAAACTCAATTTCCCCTGGTAGAAATGGAATAAGTCC[T>C]CCTAACAAATTATCTCAACTTCCAAGGACATCATCCCCTAGTACTGCTTCAACTAAGTCC-3'
Protein context (NP_000029.2, residues 2328-2348): SISPGRNGIS[Pro2338=]PNKLSQLPRT